The following is an entry in ClinVar:

NM_033380.3(COL4A5):c.2146G>A (p.Gly716Ser)

Gene: COL4A5 (collagen type IV alpha 5 chain; plus strand). Cytogenetic location: Xq22.3.
Variant type: single nucleotide variant.
Coding change: c.2146G>A on transcript NM_033380.3 (MANE Select); coding-DNA position 2146, G replaced by A.
Protein change: p.Gly716Ser; replaces glycine 716 with serine.
Molecular consequence: missense variant.
Genome position (GRCh38, 1-based): chrX:108,601,989, G>A. VCF-style: chrX-108601989-G-A. GRCh37 (hg19) VCF-style: chrX-107845219-G-A.
Other names: c.2146G>A, p.Gly716Ser (NM_000495.5); short protein forms G716S.
Identifiers: ClinVar variation 1077046 (VCV001077046.2), dbSNP rs104886161, ClinGen allele CA413847104.
Genomic context (GRCh38, chrX:108,601,989, plus strand): 5'-GGTAGCAAAGGAGAACCAGGTATCCCTGGAATTGGGCTTCCTGGACCACCTGGTCCCAAA[G>A]GTATGTTGGAATGGGTAGCAGGCAGAGTAGGTTAGAAGTTTAGCATGATGTTATTCTCTC-3'
Protein context (NP_203699.1, residues 706-726): IGLPGPPGPK[Gly716Ser]FPGIPGPPGA

ClinVar aggregate classification (germline): Pathogenic/Likely pathogenic. Review status: criteria provided, multiple submitters, no conflicts (2 of 4 stars). 2 submissions from 2 submitters: Pathogenic (1); Likely pathogenic (1). Last evaluated 2020-11-17.

Conditions:
X-linked Alport syndrome (ATS1). Also called: COL4A5-Related Nephropathy; NEPHROPATHY AND DEAFNESS, X-LINKED. Identifiers: Orphanet 63, Orphanet 88917, MedGen C4746986, MONDO:0010520, OMIM 301050.
COL4A5-related disorders.

Submissions (2):

Blueprint Genetics
Classification: Likely pathogenic for COL4A5-related disorders. Last evaluated: 2020-11-17. Review status: criteria provided, single submitter. Criteria: ACMG Guidelines, 2015. Collection method: clinical testing. Allele origin: germline. Affected: yes. Observed: 1 variant allele.

Precision Medicine Center, Zhengzhou University
Classification: Pathogenic for X-linked Alport syndrome. Review status: criteria provided, single submitter. Criteria: ACMG Guidelines, 2015. Collection method: research. Allele origin: germline. Affected: yes.
Comment: PVS1:Null variant in the gene with established LOF as a disease mechanism PM2:not found in gnomAD PP3:Multiple lines of computational evidence support a deleterious effect on the gene or gene product